The following is an entry in ClinVar:

ClinVar aggregate classification (germline): Uncertain significance. Review status: criteria provided, multiple submitters, no conflicts (2 of 4 stars). 2 submissions from 2 submitters: Uncertain significance (2). Last evaluated 2025-04-18.

Conditions:
Charcot-Marie-Tooth disease axonal type 2O. Also called: Charcot-Marie-Tooth disease, axonal, type 20; CHARCOT-MARIE-TOOTH NEUROPATHY, AXONAL, TYPE 2O; CHARCOT-MARIE-TOOTH DISEASE, AXONAL, AUTOSOMAL DOMINANT, TYPE 2O; Charcot-Marie-Tooth Neuropathy Type 2O. Identifiers: Orphanet 284232, MedGen C3280220, MONDO:0013644, OMIM 614228.

Allele frequency attached by ClinVar (database versions not stated): gnomAD exomes below 0.00001; TOPMed below 0.00001.
gnomAD v4.1: 2 of 1,614,190 alleles (0.00012%); highest among the groups gnomAD compares: Non-Finnish European, 0.00017%; no homozygotes.

Submissions (2):

Women's Health and Genetics/Laboratory Corporation of America, LabCorp
Classification: Uncertain significance. Last evaluated: 2025-04-18. Review status: criteria provided, single submitter. Criteria: LabCorp Variant Classification Summary - May 2015. Collection method: clinical testing. Allele origin: germline.
Comment: Variant summary: DYNC1H1 c.431C>T (p.Ser144Leu) results in a non-conservative amino acid change in the encoded protein sequence. Three of five in-silico tools predict a benign effect of the variant on protein function. The variant was absent in 251470 control chromosomes. The available data on variant occurrences in the general population are insufficient to allow any conclusion about variant significance. To our knowledge, no occurrence of c.431C>T in individuals affected with Charcot-Marie-Tooth disease axonal type 2O and no experimental evidence demonstrating its impact on protein function have been reported. ClinVar contains an entry for this variant (Variation ID: 2102999). Based on the evidence outlined above, the variant was classified as uncertain significance.

Labcorp Genetics (formerly Invitae), Labcorp
Classification: Uncertain significance for Charcot-Marie-Tooth disease axonal type 2O. Last evaluated: 2024-03-22. Review status: criteria provided, single submitter. Criteria: Invitae Variant Classification Sherloc (09022015). Collection method: clinical testing. Allele origin: germline.
Comment: This sequence change replaces serine, which is neutral and polar, with leucine, which is neutral and non-polar, at codon 144 of the DYNC1H1 protein (p.Ser144Leu). This variant is not present in population databases (gnomAD no frequency). This variant has not been reported in the literature in individuals affected with DYNC1H1-related conditions. ClinVar contains an entry for this variant (Variation ID: 2102999). Advanced modeling of protein sequence and biophysical properties (such as structural, functional, and spatial information, amino acid conservation, physicochemical variation, residue mobility, and thermodynamic stability) has been performed at Invitae for this missense variant, however the output from this modeling did not meet the statistical confidence thresholds required to predict the impact of this variant on DYNC1H1 protein function. In summary, the available evidence is currently insufficient to determine the role of this variant in disease. Therefore, it has been classified as a Variant of Uncertain Significance.

NM_001376.5(DYNC1H1):c.431C>T (p.Ser144Leu)

Gene: DYNC1H1 (dynein cytoplasmic 1 heavy chain 1; plus strand). Cytogenetic location: 14q32.31.
Variant type: single nucleotide variant.
Coding change: c.431C>T on transcript NM_001376.5 (MANE Select); coding-DNA position 431, C replaced by T.
Protein change: p.Ser144Leu; replaces serine 144 with leucine.
Molecular consequence: missense variant.
Genome position (GRCh38, 1-based): chr14:101,979,405, C>T. VCF-style: chr14-101979405-C-T. GRCh37 (hg19) VCF-style: chr14-102445742-C-T.
Other names: short protein forms S144L.
Identifiers: ClinVar variation 2102999 (VCV002102999.6), dbSNP rs1318022002, ClinGen allele CA391007540.